The following is an entry in ClinVar:

NM_001377448.1(BAHCC1):c.5625C>T (p.His1875=)

Gene: BAHCC1 (BAH domain and coiled-coil containing 1; plus strand). Cytogenetic location: 17q25.3.
Variant type: single nucleotide variant.
Coding change: c.5625C>T on transcript NM_001377448.1 (MANE Select); coding-DNA position 5625, C replaced by T.
Protein change: p.His1875=; no amino-acid change (histidine 1875 retained).
Molecular consequence: synonymous variant.
Genome position (GRCh38, 1-based): chr17:81,459,073, C>T. VCF-style: chr17-81459073-C-T. GRCh37 (hg19) VCF-style: chr17-79426099-C-T.
Other names: c.5718C>T, p.His1906= (NM_001291324.3).
Identifiers: ClinVar variation 2648453 (VCV002648453.24), dbSNP rs782096813, ClinGen allele CA8834892.

ClinVar aggregate classification (germline): Likely benign (1 of 4 stars; one submission).

Allele frequency attached by ClinVar (database versions not stated): gnomAD 0.00006; TOPMed 0.00008; gnomAD exomes 0.00017; ExAC 0.00035.
gnomAD v4.1: 118 of 767,730 alleles (0.015%); highest among the groups gnomAD compares: Middle Eastern, 0.045%; no homozygotes.

Submission:

CeGaT Center for Human Genetics Tuebingen
Classification: Likely benign. Last evaluated: 2022-07-01. Review status: criteria provided, single submitter. Criteria: CeGaT Center For Human Genetics Tuebingen Variant Classification Criteria Version 2. Collection method: clinical testing. Allele origin: germline. Affected: yes. Observed: 1 variant allele.
Comment: BAHCC1: BP4, BP7